The following is an entry in ClinVar:

ClinVar aggregate classification (germline): Uncertain significance (1 of 4 stars; one submission).

Allele frequency attached by ClinVar (database versions not stated): ExAC 0.00001; gnomAD 0.00001; gnomAD exomes 0.00001; TOPMed 0.00001; 1000 Genomes Project 30x 0.00016; 1000 Genomes Project 0.00020.
gnomAD v4.1: 8 of 1,614,108 alleles (0.0005%); highest among the groups gnomAD compares: African/African-American, 0.0013%; no homozygotes.

Submission:

GeneDx
Classification: Uncertain significance. Last evaluated: 2022-03-15. Review status: criteria provided, single submitter. Criteria: GeneDx Variant Classification Process June 2021. Collection method: clinical testing. Allele origin: germline. Affected: yes.
Comment: In silico analysis supports that this missense variant does not alter protein structure/function; Has not been previously published as pathogenic or benign to our knowledge

NM_005422.4(TECTA):c.1861C>T (p.Arg621Trp)

Genes: TBCEL-TECTA (TBCEL-TECTA readthrough; plus strand), TECTA (tectorin alpha; plus strand). Cytogenetic location: 11q23.3.
Variant type: single nucleotide variant.
Coding change: c.1861C>T on transcript NM_005422.4 (MANE Select); coding-DNA position 1861, C replaced by T.
Protein change: p.Arg621Trp; replaces arginine 621 with tryptophan.
Molecular consequence: missense variant.
Genome position (GRCh38, 1-based): chr11:121,127,838, C>T. VCF-style: chr11-121127838-C-T. GRCh37 (hg19) VCF-style: chr11-120998547-C-T.
Other names: c.2818C>T, p.Arg940Trp (NM_001378761.1); short protein forms R621W, R940W.
Identifiers: ClinVar variation 1706321 (VCV001706321.2), dbSNP rs200535910, ClinGen allele CA6326868.
Genomic context (GRCh38, chr11:121,127,838, plus strand): 5'-AGCCACTACTCCGTGTGCACAAGCAGCTGCCCCGACACATGCTCCGACCTGACGGCCTCG[C>T]GGAACTGCGCCACGCCGTGCACAGAGGGCTGCGAGTGCAACCAGGGCTTCGTCCTCAGCA-3'
Protein context (NP_005413.2, residues 611-631): PDTCSDLTAS[Arg621Trp]NCATPCTEGC